The following is an entry in ClinVar:

ClinVar aggregate classification (germline): Likely pathogenic. Review status: criteria provided, multiple submitters, no conflicts (2 of 4 stars). 2 submissions from 2 submitters: Likely pathogenic (2). Last evaluated 2026-07-01.

Conditions:
Glycogen storage disease, type II (IOPD). Also called: CARDIOMEGALIA GLYCOGENICA DIFFUSA; GLYCOGENOSIS, GENERALIZED, CARDIAC FORM; GSD II; Glycogen storage disease type 2; Acid maltase deficiency disease; Aglucosidase alfa. Identifiers: Orphanet 365, MedGen C0017921, MONDO:0009290, OMIM 232300.

Submissions (2):

Genomenon, Inc
Classification: Likely pathogenic for Glycogen storage disease, type II. Last evaluated: 2026-07-01. Review status: criteria provided, single submitter. Criteria: Genomenon Sequence Variant Interpretation Standards - Updated. Collection method: curation. Allele origin: germline. Affected: yes.
Comment: GAA p.Leu431_Gln433del (c.1291_1299del) is an in-frame deletion that results in the loss of multiple amino acids, from Leucine at codon 431 to Glutamine at codon 433. This variant has been observed in at least one proband with a GAA-related disorder in the compound heterozygous and/or homozygous state (PMID:22676651;33202836). It is absent or not present at a significant frequency in gnomAD. In conclusion, we classify GAA p.Leu431_Gln433del (c.1291_1299del) as a likely pathogenic variant.

Fulgent Genetics
Classification: Likely pathogenic for Glycogen storage disease, type II. Last evaluated: 2024-06-24. Review status: criteria provided, single submitter. Criteria: ACMG Guidelines, 2015. Collection method: clinical testing. Allele origin: germline.

Literature cited by the submitters: PubMed 22676651 (cited by Genomenon, Inc); PubMed 33202836 (cited by Genomenon, Inc).

NM_000152.5(GAA):c.1291_1299del (p.Leu431_Gln433del)

Gene: GAA (alpha glucosidase; plus strand). Cytogenetic location: 17q25.3.
Variant type: Deletion.
Coding change: c.1291_1299del on transcript NM_000152.5 (MANE Select); coding-DNA positions 1291 to 1299, 9 bases deleted (CTGCACCAG; older notation c.1291_1299delCTGCACCAG).
Protein change: p.Leu431_Gln433del.
Genome position (GRCh38, 1-based): chr17:80,108,793-80,108,801, CTGCACCAG deleted; deleting any 9 consecutive bases within chr17:80,108,791-80,108,801 gives the same sequence; the c. name uses the placement nearest the transcript's 3' end. VCF-style (leftmost placement, unchanged base first): chr17-80108790-GAGCTGCACC-G. GRCh37 (hg19) VCF-style: chr17-78082589-GAGCTGCACC-G.
Other names: c.1291_1299del, p.Leu431_Gln433del (NM_001079803.3, NM_001079804.3, NM_001406741.1 and 1 more transcripts).
Identifiers: ClinVar variation 3583095 (VCV003583095.2).
Genomic context (GRCh38, chr17:80,108,790, plus strand): 5'-TCCCGGAGGGACTTCACGTTCAACAAGGATGGCTTCCGGGACTTCCCGGCCATGGTGCAG[GAGCTGCACC>G]AGGGCGGCCGGCGCTACATGATGATCGTGGTGTGTGCCCCCACACTGTGGGTCTTTGGGA-3'